The following is an entry in ClinVar:

ClinVar aggregate classification (germline): Uncertain significance (1 of 4 stars; one submission).

Conditions:
Hereditary cancer-predisposing syndrome. Also called: Neoplastic Syndromes, Hereditary; Tumor predisposition; Hereditary neoplastic syndrome; Hereditary Cancer Syndrome. Identifiers: Orphanet 140162, MedGen C0027672, MeSH D009386, MONDO:0015356.

Submission:

Ambry Genetics
Classification: Uncertain significance for Hereditary cancer-predisposing syndrome. Last evaluated: 2024-03-12. Review status: criteria provided, single submitter. Criteria: Ambry Variant Classification Scheme 2023. Collection method: clinical testing. Allele origin: germline.
Comment: The p.S1419I variant (also known as c.4256G>T), located in coding exon 15 of the APC gene, results from a G to T substitution at nucleotide position 4256. The serine at codon 1419 is replaced by isoleucine, an amino acid with dissimilar properties. This amino acid position is conserved. In addition, in silico predictors for this gene do not accurately predict pathogenicity. Based on the available evidence, the clinical significance of this alteration remains unclear.

NM_000038.6(APC):c.4256G>T (p.Ser1419Ile)

Gene: APC (APC regulator of Wnt signaling pathway; plus strand). Cytogenetic location: 5q22.2.
Variant type: single nucleotide variant.
Coding change: c.4256G>T on transcript NM_000038.6 (MANE Select); coding-DNA position 4256, G replaced by T.
Protein change: p.Ser1419Ile; replaces serine 1419 with isoleucine.
Molecular consequence: missense variant. On other transcripts: non-coding transcript variant (2).
Genome position (GRCh38, 1-based): chr5:112,839,850, G>T. VCF-style: chr5-112839850-G-T. GRCh37 (hg19) VCF-style: chr5-112175547-G-T.
Other names: c.4310G>T, p.Ser1437Ile (NM_001354896.2, NM_001407447.1, NM_001407448.1 and 1 more transcripts); c.4286G>T, p.Ser1429Ile (NM_001354897.2); c.4181G>T, p.Ser1394Ile (NM_001354898.2); c.4172G>T, p.Ser1391Ile (NM_001354899.2); c.4133G>T, p.Ser1378Ile (NM_001354900.2); c.4079G>T, p.Ser1360Ile (NM_001354901.2, NM_001407453.1); c.3983G>T, p.Ser1328Ile (NM_001354902.2); c.3953G>T, p.Ser1318Ile (NM_001354903.2, NM_001407458.1, NM_001407459.1 and 1 more transcripts); and 11 more; short protein forms S1035I, S1136I, S1259I, S1290I, S1293I, S1318I, S1328I, S1336I.
Identifiers: ClinVar variation 3230471 (VCV003230471.1), dbSNP rs2533560531, ClinGen allele CA16030656.
Genomic context (GRCh38, chr5:112,839,850, plus strand): 5'-GTTCGATTGCCAGCTCCGTTCAGAGTGAACCATGCAGTGGAATGGTAAGTGGCATTATAA[G>T]CCCCAGTGATCTTCCAGATAGCCCTGGACAAACCATGCCACCAAGCAGAAGTAAAACACC-3'
Protein context (NP_000029.2, residues 1409-1429): PCSGMVSGII[Ser1419Ile]PSDLPDSPGQ